The following is an entry in ClinVar:

NM_000222.3(KIT):c.1880C>T (p.Pro627Leu)

Gene: KIT (KIT proto-oncogene, receptor tyrosine kinase; plus strand). Cytogenetic location: 4q12.
Variant type: single nucleotide variant.
Coding change: c.1880C>T on transcript NM_000222.3 (MANE Select); coding-DNA position 1880, C replaced by T.
Protein change: p.Pro627Leu; replaces proline 627 with leucine.
Molecular consequence: missense variant.
Genome position (GRCh38, 1-based): chr4:54,728,011, C>T. VCF-style: chr4-54728011-C-T. GRCh37 (hg19) VCF-style: chr4-55594177-C-T.
Other names: c.1868C>T, p.Pro623Leu (NM_001093772.2, NM_001385286.1); c.1883C>T, p.Pro628Leu (NM_001385284.1, NM_001385290.1); c.1880C>T, p.Pro627Leu (NM_001385285.1); c.1871C>T, p.Pro624Leu (NM_001385288.1, NM_001385292.1); c.1880C>T (NM_000222.2); short protein forms P623L, P624L, P627L, P628L.
Identifiers: ClinVar variation 1001785 (VCV001001785.10), dbSNP rs1722349520, ClinGen allele CA356908366.

ClinVar aggregate classification (germline): Uncertain significance. Review status: criteria provided, multiple submitters, no conflicts (2 of 4 stars). 2 submissions from 2 submitters: Uncertain significance (2). Last evaluated 2025-01-27.

Conditions:
Gastrointestinal stromal tumor. Also called: Gastrointestinal stromal tumor, somatic; Gastrointestinal stroma tumor. Identifiers: Orphanet 44890, MedGen C0238198, MeSH D046152, MONDO:0011719, OMIM 606764, HP:0100723.
Hereditary cancer-predisposing syndrome. Also called: Neoplastic Syndromes, Hereditary; Hereditary Cancer Syndrome; Hereditary neoplastic syndrome; Tumor predisposition. Identifiers: Orphanet 140162, MedGen C0027672, MeSH D009386, MONDO:0015356.

Submissions (2):

Labcorp Genetics (formerly Invitae), Labcorp
Classification: Uncertain significance for Gastrointestinal stromal tumor. Last evaluated: 2025-01-27. Review status: criteria provided, single submitter. Criteria: Invitae Variant Classification Sherloc (09022015). Collection method: clinical testing. Allele origin: germline.
Comment: This sequence change replaces proline, which is neutral and non-polar, with leucine, which is neutral and non-polar, at codon 627 of the KIT protein (p.Pro627Leu). This variant is not present in population databases (gnomAD no frequency). This variant has not been reported in the literature in individuals affected with KIT-related conditions. ClinVar contains an entry for this variant (Variation ID: 1001785). An algorithm developed to predict the effect of missense changes on protein structure and function (PolyPhen-2) suggests that this variant is likely to be disruptive. In summary, the available evidence is currently insufficient to determine the role of this variant in disease. Therefore, it has been classified as a Variant of Uncertain Significance.

Ambry Genetics
Classification: Uncertain significance for Hereditary cancer-predisposing syndrome. Last evaluated: 2023-02-16. Review status: criteria provided, single submitter. Criteria: Ambry Variant Classification Scheme 2023. Collection method: clinical testing. Allele origin: germline.
Comment: The p.P627L variant (also known as c.1880C>T) is located in coding exon 13 of the KIT gene. The proline at codon 627 is replaced by leucine, an amino acid with similar properties. This change occurs in the first base pair of coding exon 13. This amino acid position is well conserved in available vertebrate species. In addition, this alteration is predicted to be tolerated by in silico analysis. Since supporting evidence is limited at this time, the clinical significance of this alteration remains unclear.